The following is an entry in ClinVar:

NM_006231.4(POLE):c.3120_3121del (p.Arg1041fs)

Gene: POLE (DNA polymerase epsilon, catalytic subunit; minus strand). Cytogenetic location: 12q24.33.
Variant type: Microsatellite.
Coding change: c.3120_3121del on transcript NM_006231.4 (MANE Select); coding-DNA positions 3120 to 3121, 2 bases deleted (TC; older notation c.3120_3121delTC).
Protein change: p.Arg1041fs; shifts the reading frame from arginine 1041.
Molecular consequence: frameshift variant.
Genome position (GRCh38, 1-based): chr12:132,659,449-132,659,450, GA deleted on the plus strand (TC on the coding strand, the reverse complement: POLE is on the minus strand); deleting any 2 consecutive bases within chr12:132,659,449-132,659,452 gives the same sequence; the c. name uses the placement nearest the transcript's 3' end. VCF-style (leftmost placement, unchanged base first): chr12-132659448-CGA-C. GRCh37 (hg19) VCF-style: chr12-133236034-CGA-C.
Other names: short protein forms R1041fs.
Identifiers: ClinVar variation 2822704 (VCV002822704.3), dbSNP rs2542026550, ClinGen allele CA2739277438.

ClinVar aggregate classification (germline): Pathogenic (1 of 4 stars; one submission).

Submission:

Labcorp Genetics (formerly Invitae), Labcorp
Classification: Pathogenic. Last evaluated: 2022-12-20. Review status: criteria provided, single submitter. Criteria: Invitae Variant Classification Sherloc (09022015). Collection method: clinical testing. Allele origin: germline.
Comment: For these reasons, this variant has been classified as Pathogenic. This variant has not been reported in the literature in individuals affected with POLE-related conditions. This variant is not present in population databases (gnomAD no frequency). This sequence change creates a premature translational stop signal (p.Arg1041Glufs*82) in the POLE gene. It is expected to result in an absent or disrupted protein product. Loss-of-function variants in POLE are known to be pathogenic (PMID: 23230001, 25948378, 30503519).

Literature cited by the submitters: PubMed 23230001; PubMed 25948378; PubMed 30503519.